The following is an entry in ClinVar:

ClinVar aggregate classification (germline): Conflicting classifications of pathogenicity. Review status: criteria provided, conflicting classifications (1 of 4 stars). 4 submissions from 4 submitters: Uncertain significance (2); Likely benign (1). 1 of the submissions does not count toward it. Last evaluated 2023-05-01.

Conditions:
FBXL4-related disorder. Also called: FBXL4-related condition.
Mitochondrial DNA depletion syndrome 13. Also called: FBXL4-Related Encephalomyopathic Mitochondrial DNA Depletion Syndrome; Mitochondrial DNA depletion syndrome 13 (encephalomyopathic type). Identifiers: Orphanet 369897, MedGen C3809592, MONDO:0014198, OMIM 615471.

Allele frequency attached by ClinVar (database versions not stated): gnomAD exomes 0.00001 and 0.00002; gnomAD 0.00002 and 0.00003; TOPMed 0.00002; ExAC 0.00003.
gnomAD v4.1: 20 of 1,614,000 alleles (0.0012%); highest among the groups gnomAD compares: Admixed American, 0.005%; no homozygotes.

Submissions (4):

CeGaT Center for Human Genetics Tuebingen
Classification: Likely benign. Last evaluated: 2023-05-01. Review status: criteria provided, single submitter. Criteria: CeGaT Center For Human Genetics Tuebingen Variant Classification Criteria Version 2. Collection method: clinical testing. Allele origin: germline. Affected: yes. Observed: 1 variant allele.
Comment: FBXL4: BP4, BP7

Wong Mito Lab, Molecular and Human Genetics, Baylor College of Medicine
Classification: Uncertain significance for Mitochondrial DNA depletion syndrome 13. Last evaluated: 2017-08-10. Review status: criteria provided, single submitter. Criteria: ACMG Guidelines, 2015. Collection method: reference population. Allele origin: germline.
Comment: The NM_012160.4:c.1464A>G (NP_036292.2:p.Arg488=) [GRCH38: NC_000006.12:g.98875653T>C] variant in FBXL4 gene is interpretated to be a Uncertain Significance - Conflicting Evidence based on ACMG guidelines (PMID: 25741868). This variant meets one or more of the following evidence codes reported in the ACMG-guideline. PM2:This variant is absent in key population databases. BP4:Computational evidence/predictors indicate no impact on the FBXL4 structure, function, or protein-protein interaction. BP7:The variant is silent with non predicted splice impact. Based on this evidence code ClinGen Pathogenicity Calculator (PMID:28081714) suggested that the variant is Uncertain Significance - Conflicting Evidence.

Breakthrough Genomics
Classification: Uncertain significance. Review status: criteria provided, single submitter. Criteria: ACMG Guidelines, 2015. Collection method: not provided. Allele origin: germline. Inheritance: Autosomal recessive inheritance. Affected: yes.

PreventionGenetics, part of Exact Sciences
Classification: Likely benign for FBXL4-related condition. Last evaluated: 2019-09-26. Review status: no assertion criteria provided. Collection method: clinical testing. Allele origin: germline. Not counted in ClinVar's aggregate classification.
Comment: This variant is classified as likely benign based on ACMG/AMP sequence variant interpretation guidelines (Richards et al. 2015 PMID: 25741868, with internal and published modifications).

NM_001278716.2(FBXL4):c.1464A>G (p.Arg488=)

Gene: FBXL4 (F-box and leucine rich repeat protein 4; minus strand). Cytogenetic location: 6q16.1.
Variant type: single nucleotide variant.
Coding change: c.1464A>G on transcript NM_001278716.2 (MANE Select); coding-DNA position 1464, A replaced by G.
Protein change: p.Arg488=; no amino-acid change (arginine 488 retained).
Molecular consequence: synonymous variant. On other transcripts: non-coding transcript variant (1).
Genome position (GRCh38, 1-based): chr6:98,875,653, T>C on the plus strand (A>G on the coding strand, the complement: FBXL4 is on the minus strand). VCF-style: chr6-98875653-T-C. GRCh37 (hg19) VCF-style: chr6-99323529-T-C.
Other names: c.1464A>G, p.Arg488= (NM_012160.5).
Identifiers: ClinVar variation 437760 (VCV000437760.30), dbSNP rs748404878, ClinGen allele CA3933436.